The following is an entry in ClinVar:

NM_016366.3(CABP2):c.323G>A (p.Arg108Gln)

Gene: CABP2 (calcium binding protein 2; minus strand). Cytogenetic location: 11q13.2.
Variant type: single nucleotide variant.
Coding change: c.323G>A on transcript NM_016366.3 (MANE Select); coding-DNA position 323, G replaced by A.
Protein change: p.Arg108Gln; replaces arginine 108 with glutamine.
Molecular consequence: missense variant.
Genome position (GRCh38, 1-based): chr11:67,521,081, C>T on the plus strand (G>A on the coding strand, the complement: CABP2 is on the minus strand). VCF-style: chr11-67521081-C-T. GRCh37 (hg19) VCF-style: chr11-67288552-C-T.
Other names: c.341G>A, p.Arg114Gln (NM_001318496.2); c.323G>A (NM_016366.2); short protein forms R108Q, R114Q.
Identifiers: ClinVar variation 1506864 (VCV001506864.9), dbSNP rs760834323, ClinGen allele CA6142501.
Genomic context (GRCh38, chr11:67,521,081, plus strand): 5'-ATACTGATTTGTTGTGAGATCTCGATGAGCTCCATCTCGGTGGGCATGTAGCCCAGGGTC[C>T]GCATGCAGGCACCCAGCTCCCGGCAGCCAATGTAGCCGTCCCGGTCTCGGTCAAACTCCT-3'
Protein context (NP_057450.2, residues 98-118): IGCRELGACM[Arg108Gln]TLGYMPTEME

ClinVar aggregate classification (germline): Uncertain significance. Review status: criteria provided, multiple submitters, no conflicts (2 of 4 stars). 2 submissions from 2 submitters: Uncertain significance (2). Last evaluated 2024-10-08.

Conditions:
Inborn genetic diseases. Identifiers: MedGen C0950123, MeSH D030342.

Allele frequency attached by ClinVar (database versions not stated): ExAC 0.00002; gnomAD 0.00002; gnomAD exomes 0.00002.
gnomAD v4.1: 35 of 1,605,392 alleles (0.0022%); highest among the groups gnomAD compares: Admixed American, 0.0034%; no homozygotes.

Submissions (2):

Ambry Genetics
Classification: Uncertain significance for Inborn genetic diseases. Last evaluated: 2024-10-08. Review status: criteria provided, single submitter. Criteria: Ambry Variant Classification Scheme 2023. Collection method: clinical testing. Allele origin: germline.

Labcorp Genetics (formerly Invitae), Labcorp
Classification: Uncertain significance. Last evaluated: 2022-11-08. Review status: criteria provided, single submitter. Criteria: Invitae Variant Classification Sherloc (09022015). Collection method: clinical testing. Allele origin: germline.
Comment: In summary, the available evidence is currently insufficient to determine the role of this variant in disease. Therefore, it has been classified as a Variant of Uncertain Significance. Algorithms developed to predict the effect of missense changes on protein structure and function are either unavailable or do not agree on the potential impact of this missense change (SIFT: "Tolerated"; PolyPhen-2: "Probably Damaging"; Align-GVGD: "Class C0"). ClinVar contains an entry for this variant (Variation ID: 1506864). This variant has not been reported in the literature in individuals affected with CABP2-related conditions. This variant is present in population databases (rs760834323, gnomAD 0.003%). This sequence change replaces arginine, which is basic and polar, with glutamine, which is neutral and polar, at codon 108 of the CABP2 protein (p.Arg108Gln).